The following is an entry in ClinVar:

ClinVar aggregate classification (germline): Uncertain significance. Review status: criteria provided, multiple submitters, no conflicts (2 of 4 stars). 2 submissions from 2 submitters: Uncertain significance (2). Last evaluated 2022-05-04.

Conditions:
Beta-D-mannosidosis (MANSB). Also called: MANNOSIDOSIS, BETA A, LYSOSOMAL; BETA-MANNOSIDASE DEFICIENCY; LYSOSOMAL BETA-MANNOSIDASE DEFICIENCY; Beta-Mannosidosis. Identifiers: Orphanet 118, MedGen C4048196, MONDO:0009562, OMIM 248510.

Allele frequency attached by ClinVar (database versions not stated): gnomAD exomes 0.00001.

Submissions (2):

Labcorp Genetics (formerly Invitae), Labcorp
Classification: Uncertain significance for Beta-D-mannosidosis. Last evaluated: 2022-05-04. Review status: criteria provided, single submitter. Criteria: Invitae Variant Classification Sherloc (09022015). Collection method: clinical testing. Allele origin: germline.
Comment: This sequence change replaces arginine, which is basic and polar, with glutamine, which is neutral and polar, at codon 373 of the MANBA protein (p.Arg373Gln). This variant is not present in population databases (gnomAD no frequency). This variant has not been reported in the literature in individuals affected with MANBA-related conditions. Algorithms developed to predict the effect of missense changes on protein structure and function output the following: SIFT: "Tolerated"; PolyPhen-2: "Benign"; Align-GVGD: "Class C0". The glutamine amino acid residue is found in multiple mammalian species, which suggests that this missense change does not adversely affect protein function. In summary, the available evidence is currently insufficient to determine the role of this variant in disease. Therefore, it has been classified as a Variant of Uncertain Significance.

Revvity Omics, Revvity
Classification: Uncertain significance for Beta-D-mannosidosis. Last evaluated: 2021-10-08. Review status: criteria provided, single submitter. Criteria: ACMG Guidelines, 2015. Collection method: clinical testing. Allele origin: germline.

NM_005908.4(MANBA):c.1118G>A (p.Arg373Gln)

Gene: MANBA (mannosidase beta; minus strand). Cytogenetic location: 4q24.
Variant type: single nucleotide variant.
Coding change: c.1118G>A on transcript NM_005908.4 (MANE Select); coding-DNA position 1118, G replaced by A.
Protein change: p.Arg373Gln; replaces arginine 373 with glutamine.
Molecular consequence: missense variant.
Genome position (GRCh38, 1-based): chr4:102,671,393, C>T on the plus strand (G>A on the coding strand, the complement: MANBA is on the minus strand). VCF-style: chr4-102671393-C-T. GRCh37 (hg19) VCF-style: chr4-103592550-C-T.
Other names: short protein forms R373Q.
Identifiers: ClinVar variation 1914879 (VCV001914879.5), dbSNP rs201248232, ClinGen allele CA102698029.